The following is an entry in ClinVar:

ClinVar aggregate classification (germline): Uncertain significance (1 of 4 stars; one submission).

Conditions:
Inborn genetic diseases. Identifiers: MedGen C0950123, MeSH D030342.

Submission:

Ambry Genetics
Classification: Uncertain significance for Inborn genetic diseases. Last evaluated: 2026-07-17. Review status: criteria provided, single submitter. Criteria: Ambry Variant Classification Scheme 2023. Collection method: clinical testing. Allele origin: germline.
Comment: The c.1313T>C (p.L438P) alteration is located in exon 11 (coding exon 10) of the PPFIA3 gene. This alteration results from a T to C substitution at nucleotide position 1313, causing the leucine (L) at amino acid position 438 to be replaced by a proline (P). This variant was not reported in population-based cohorts in the Genome Aggregation Database (gnomAD). This amino acid position is highly conserved in available vertebrate species. This missense alteration is located in a region that has a low rate of benign missense variation (Lek, 2016; Firth, 2009). The in silico prediction for this alteration is inconclusive. Based on insufficient or conflicting evidence, the clinical significance of this alteration remains unclear.

NM_003660.4(PPFIA3):c.1313T>C (p.Leu438Pro)

Gene: PPFIA3 (PPFI scaffold protein A3; plus strand). Cytogenetic location: 19q13.33.
Variant type: single nucleotide variant.
Coding change: c.1313T>C on transcript NM_003660.4 (MANE Select); coding-DNA position 1313, T replaced by C.
Protein change: p.Leu438Pro; replaces leucine 438 with proline.
Molecular consequence: missense variant. On other transcripts: non-coding transcript variant (1).
Genome position (GRCh38, 1-based): chr19:49,134,101, T>C. VCF-style: chr19-49134101-T-C. GRCh37 (hg19) VCF-style: chr19-49637358-T-C.
Other names: short protein forms L438P.
Identifiers: ClinVar variation 4142303 (VCV004142303.2).
Genomic context (GRCh38, chr19:49,134,101, plus strand): 5'-AGCGGGAGAAGATGAACGATGACCACAATAAGCGGCTGTCCGAGACGGTGGACAAGCTGC[T>C]GAGCGAGTCCAACGAGCGCTTACAGCTTCACCTCAAGGAGCGCATGGGGGCGCTGGAGGA-3'
Protein context (NP_003651.1, residues 428-448): KRLSETVDKL[Leu438Pro]SESNERLQLH